The following is an entry in ClinVar:

ClinVar aggregate classification (germline): Pathogenic (1 of 4 stars; one submission).

Submission:

Labcorp Genetics (formerly Invitae), Labcorp
Classification: Pathogenic. Last evaluated: 2022-10-28. Review status: criteria provided, single submitter. Criteria: Invitae Variant Classification Sherloc (09022015). Collection method: clinical testing. Allele origin: germline.
Comment: This variant disrupts a region of the PRKN protein in which other variant(s) (p.Trp453*) have been determined to be pathogenic (PMID: 10072423, 12972428, 16049031, 32802956; Invitae). This suggests that this is a clinically significant region of the protein, and that variants that disrupt it are likely to be disease-causing. This variant has not been reported in the literature in individuals affected with PRKN-related conditions. This variant is not present in population databases (gnomAD no frequency). This sequence change results in a frameshift in the PRKN gene (p.Cys451Serfs*190). While this is not anticipated to result in nonsense mediated decay, it is expected to disrupt the last 15 amino acid(s) of the PRKN protein and extend the protein by 174 additional amino acid residues. For these reasons, this variant has been classified as Pathogenic.

Literature cited by the submitters: PubMed 10072423; PubMed 12972428; PubMed 16049031; PubMed 32802956.

NM_004562.3(PRKN):c.1352del (p.Cys451fs)

Gene: PRKN (parkin RBR E3 ubiquitin protein ligase; minus strand). Cytogenetic location: 6q26.
Variant type: Deletion.
Coding change: c.1352del on transcript NM_004562.3 (MANE Select); coding-DNA position 1352, one base deleted (G; older notation c.1352delG).
Protein change: p.Cys451fs; shifts the reading frame from cysteine 451.
Molecular consequence: frameshift variant.
Genome position (GRCh38, 1-based): chr6:161,350,145, C deleted on the plus strand (G on the coding strand, the reverse complement: PRKN is on the minus strand). VCF-style (leftmost placement, unchanged base first): chr6-161350144-GC-G. GRCh37 (hg19) VCF-style: chr6-161771176-GC-G.
Other names: c.1268del, p.Cys423fs (NM_013987.3); c.905del, p.Cys302fs (NM_013988.3); short protein forms C302fs, C451fs, C423fs.
Identifiers: ClinVar variation 1972564 (VCV001972564.5), dbSNP rs2483164857, ClinGen allele CA913109833.